The following is an entry in ClinVar:

NM_033305.3(VPS13A):c.5898delinsTC (p.Arg1967fs)

Gene: VPS13A (vacuolar protein sorting 13 homolog A; plus strand). Cytogenetic location: 9q21.2.
Variant type: Indel.
Coding change: c.5898delinsTC on transcript NM_033305.3 (MANE Select); coding-DNA position 5898, A replaced by TC.
Protein change: p.Arg1967fs; shifts the reading frame from arginine 1967.
Molecular consequence: frameshift variant.
Genome position (GRCh38, 1-based): chr9:77,323,134, A replaced by TC. VCF-style: chr9-77323134-A-TC. GRCh37 (hg19) VCF-style: chr9-79938050-A-TC.
Other names: c.5781delinsTC, p.Arg1928fs (NM_001018037.2); c.5898delinsTC, p.Arg1967fs (NM_001018038.3, NM_015186.4); short protein forms R1928fs, R1967fs.
Identifiers: ClinVar variation 5010952 (VCV005010952.1).

ClinVar aggregate classification (germline): Pathogenic (1 of 4 stars; one submission).

Conditions:
VPS13A-related neurodegenerative disease. Also called: ACANTHOCYTOSIS WITH NEUROLOGIC DISORDER; LEVINE-CRITCHLEY SYNDROME; Choreoacanthocytosis; Chorea-acanthocytosis; Choreaacanthocytosis; VPS13A Disease. Identifiers: Orphanet 2388, MedGen C0393576, MONDO:0008695, OMIM 200150.

Submission:

Myriad Genetics, Inc.
Classification: Pathogenic for VPS13A-related neurodegenerative disease. Last evaluated: 2024-05-14. Review status: criteria provided, single submitter. Criteria: Myriad Autosomal Dominant, Autosomal Recessive and X-Linked Classification Criteria (2023). Collection method: clinical testing. Allele origin: unknown.
Comment: NM_033305.2(VPS13A):c.5898delAinsTC(R1967Qfs*8) is expected to be pathogenic in the context of VPS13A disease. This variant is predicted to lead to an abnormal or absent protein product due to the creation of a premature termination codon in VPS13A, a gene where loss-of-function variants are known to be pathogenic. Please note: this variant was assessed in the context of healthy population screening.